The following is an entry in ClinVar:

ClinVar aggregate classification (germline): Conflicting classifications of pathogenicity. Review status: criteria provided, conflicting classifications (1 of 4 stars). 2 submissions from 2 submitters: Likely pathogenic (1); Uncertain significance (1). Last evaluated 2026-05-29.

Conditions:
Neurodevelopmental disorder. Identifiers: MedGen C1535926, MeSH D065886, MONDO:0700092.

Allele frequency attached by ClinVar (database versions not stated): gnomAD exomes below 0.00001.

Submissions (2):

Women's Health and Genetics/Laboratory Corporation of America, LabCorp
Classification: Uncertain significance. Last evaluated: 2026-05-29. Review status: criteria provided, single submitter. Criteria: LabCorp Variant Classification Summary - May 2015. Collection method: clinical testing. Allele origin: germline.
Comment: Variant summary: AGRN c.5909A>G (p.Asn1970Ser) results in a conservative amino acid change in the encoded protein sequence. Algorithms developed to predict the effect of missense changes on protein structure and function are either unavailable or do not agree on the potential impact of this missense change. The variant allele was found at a frequency of 4.4e-06 in 227066 control chromosomes. The available data on variant occurrences in the general population are insufficient to allow any conclusion about variant significance. c.5909A>G has been observed in an individual affected with Arthrogryposis multiplex congenita (Laquerriere_2022). These report(s) do not provide unequivocal conclusions about association of the variant with AGRN-related Congenital Myasthenic syndrome. To our knowledge, no experimental evidence demonstrating an impact on protein function has been reported. The following publication have been ascertained in the context of this evaluation (PMID: 33820833). ClinVar contains an entry for this variant (Variation ID: 1701897). Based on the evidence outlined above, the variant was classified as uncertain significance.

Laboratory of Molecular Genetics (Pr. Bezieau's lab), CHU de Nantes
Classification: Likely pathogenic for Neurodevelopmental disorder. Last evaluated: 2022-06-03. Review status: criteria provided, single submitter. Criteria: ACMG Guidelines, 2015. Collection method: clinical testing. Allele origin: germline. Affected: yes.

Literature cited by the submitters: PubMed 33820833 (cited by Women's Health and Genetics/Laboratory Corporation of America, LabCorp).

NM_198576.4(AGRN):c.5909A>G (p.Asn1970Ser)

Gene: AGRN (agrin; plus strand). Cytogenetic location: 1p36.33.
Variant type: single nucleotide variant.
Coding change: c.5909A>G on transcript NM_198576.4 (MANE Select); coding-DNA position 5909, A replaced by G.
Protein change: p.Asn1970Ser; replaces asparagine 1970 with serine.
Molecular consequence: missense variant.
Genome position (GRCh38, 1-based): chr1:1,054,480, A>G. VCF-style: chr1-1054480-A-G. GRCh37 (hg19) VCF-style: chr1-989860-A-G.
Other names: c.5978A>G, p.Asn1993Ser (NM_001305275.2); c.5606A>G, p.Asn1869Ser (NM_001364727.2); short protein forms N1869S, N1970S, N1993S.
Identifiers: ClinVar variation 1701897 (VCV001701897.2), dbSNP rs1167765853, ClinGen allele CA337785632.
Genomic context (GRCh38, chr1:1,054,480, plus strand): 5'-GATGGTCTCCCCCTCCCTGCACACCCAGGGAGCAGAGGGAAGGTTCCCTGCAGGTGGGCA[A>G]TGAGGCCCCTGTGACCGGCTCCTCCCCGCTGGGCGCCACGCAGCTGGACACTGATGGAGC-3'
Protein context (NP_940978.2, residues 1960-1980): EQREGSLQVG[Asn1970Ser]EAPVTGSSPL